The following is an entry in ClinVar:

ClinVar aggregate classification (germline): Likely benign. Review status: criteria provided, multiple submitters, no conflicts (2 of 4 stars). 2 submissions from 2 submitters: Likely benign (2). Last evaluated 2025-06-04.

Conditions:
Dilated cardiomyopathy 1O (CMD1O). Also called: CARDIOMYOPATHY, DILATED, WITH VENTRICULAR TACHYCARDIA. Identifiers: Orphanet 154, MedGen C1837839, MONDO:0012062, OMIM 608569.

Allele frequency attached by ClinVar (database versions not stated): gnomAD 0.00001; gnomAD exomes 0.00001; TOPMed 0.00001.
gnomAD v4.1: 3 of 1,610,946 alleles (0.00019%); highest among the groups gnomAD compares: African/African-American, 0.0027%; no homozygotes.

Submissions (2):

Labcorp Genetics (formerly Invitae), Labcorp
Classification: Likely benign for Dilated cardiomyopathy 1O. Last evaluated: 2025-06-04. Review status: criteria provided, single submitter. Criteria: Invitae Variant Classification Sherloc (09022015). Collection method: clinical testing. Allele origin: germline.

GeneDx
Classification: Likely benign. Last evaluated: 2017-04-26. Review status: criteria provided, single submitter. Criteria: GeneDx Variant Classification (06012015). Collection method: clinical testing. Allele origin: germline. Affected: yes.
Comment: This variant is considered likely benign or benign based on one or more of the following criteria: it is a conservative change, it occurs at a poorly conserved position in the protein, it is predicted to be benign by multiple in silico algorithms, and/or has population frequency not consistent with disease.

NM_020297.4(ABCC9):c.1619-10C>A

Gene: ABCC9 (ATP binding cassette subfamily C member 9; minus strand). Cytogenetic location: 12p12.1.
Variant type: single nucleotide variant.
Coding change: c.1619-10C>A on transcript NM_020297.4 (MANE Select); 10 bases into the intron before coding-DNA position 1619, C replaced by A.
Molecular consequence: intron variant.
Genome position (GRCh38, 1-based): chr12:21,895,325, G>T on the plus strand (C>A on the coding strand, the complement: ABCC9 is on the minus strand). VCF-style: chr12-21895325-G-T. GRCh37 (hg19) VCF-style: chr12-22048259-G-T.
Other names: c.755-10C>A (NM_001377274.1); c.1619-10C>A (NM_005691.4, NM_001377273.1).
Identifiers: ClinVar variation 509189 (VCV000509189.5), dbSNP rs1169346732, ClinGen allele CA603678704.